The following is an entry in ClinVar:

ClinVar aggregate classification (germline): Likely benign. Review status: criteria provided, multiple submitters, no conflicts (2 of 4 stars). 3 submissions from 3 submitters: Likely benign (3). Last evaluated 2025-06-10.

Conditions:
CEP78-related disorder. Also called: CEP78-related condition.

Allele frequency attached by ClinVar (database versions not stated): gnomAD 0.00002 and 0.00004; TOPMed 0.00004; ExAC 0.00006; gnomAD exomes 0.00006 and 0.00007; 1000 Genomes Project 30x 0.00016; 1000 Genomes Project 0.00020.
gnomAD v4.1: 102 of 1,601,274 alleles (0.0064%); highest among the groups gnomAD compares: East Asian, 0.029%; no homozygotes.

Submissions (3):

Labcorp Genetics (formerly Invitae), Labcorp
Classification: Likely benign. Last evaluated: 2025-06-10. Review status: criteria provided, single submitter. Criteria: Invitae Variant Classification Sherloc (09022015). Collection method: clinical testing. Allele origin: germline.

PreventionGenetics, part of Exact Sciences
Classification: Likely benign for CEP78-related condition. Last evaluated: 2025-03-18. Review status: criteria provided, single submitter. Criteria: ACMG Guidelines, 2015. Collection method: clinical testing. Allele origin: germline.
Comment: This variant is classified as likely benign based on ACMG/AMP sequence variant interpretation guidelines (Richards et al. 2015 PMID: 25741868, with internal and published modifications).

Blueprint Genetics
Classification: Likely benign. Last evaluated: 2024-11-13. Review status: criteria provided, single submitter. Criteria: ACMG Guidelines, 2015. Collection method: clinical testing. Allele origin: germline.

NM_001330691.3(CEP78):c.1173G>A (p.Pro391=)

Gene: CEP78 (centrosomal protein 78; plus strand). Cytogenetic location: 9q21.2.
Variant type: single nucleotide variant.
Coding change: c.1173G>A on transcript NM_001330691.3 (MANE Select); coding-DNA position 1173, G replaced by A.
Protein change: p.Pro391=; no amino-acid change (proline 391 retained).
Molecular consequence: synonymous variant.
Genome position (GRCh38, 1-based): chr9:78,252,011, G>A. VCF-style: chr9-78252011-G-A. GRCh37 (hg19) VCF-style: chr9-80866927-G-A.
Other names: c.1176G>A, p.Pro392= (NM_032171.3, NM_001098802.3, NM_001349839.2 and 1 more transcripts); c.1173G>A, p.Pro391= (NM_001330693.3, NM_001330694.2, NM_001349838.2); c.1176G>A (NM_001098802.1).
Identifiers: ClinVar variation 1145275 (VCV001145275.11), dbSNP rs540373914, ClinGen allele CA5095162.
Genomic context (GRCh38, chr9:78,252,011, plus strand): 5'-CCTTGGTAAAGAATATTATGCGCCCGCACCTCTTCCACCTGGTGTGTCTGGTTTCTTGCC[G>A]TGGCGTACTGCAGAACGTGCAAAAAGACACAGGTAGGGTATTTTTATTTCCTATCTTTTA-3'
Protein context (NP_001317620.1, residues 381-401): PLPPGVSGFL[Pro391=]WRTAERAKRH